The following is an entry in ClinVar:

ClinVar aggregate classification (germline): Uncertain significance (1 of 4 stars; one submission).

Allele frequency attached by ClinVar (database versions not stated): gnomAD exomes below 0.00001; ExAC 0.00001; TOPMed 0.00002.

Submission:

Labcorp Genetics (formerly Invitae), Labcorp
Classification: Uncertain significance. Last evaluated: 2022-07-05. Review status: criteria provided, single submitter. Criteria: Invitae Variant Classification Sherloc (09022015). Collection method: clinical testing. Allele origin: germline.
Comment: Advanced modeling of protein sequence and biophysical properties (such as structural, functional, and spatial information, amino acid conservation, physicochemical variation, residue mobility, and thermodynamic stability) performed at Invitae indicates that this missense variant is not expected to disrupt SERPING1 protein function. ClinVar contains an entry for this variant (Variation ID: 1503136). This variant has not been reported in the literature in individuals affected with SERPING1-related conditions. This variant is present in population databases (rs745670182, gnomAD 0.003%). This sequence change replaces alanine, which is neutral and non-polar, with valine, which is neutral and non-polar, at codon 500 of the SERPING1 protein (p.Ala500Val). In summary, the available evidence is currently insufficient to determine the role of this variant in disease. Therefore, it has been classified as a Variant of Uncertain Significance.

NM_000062.3(SERPING1):c.1499C>T (p.Ala500Val)

Gene: SERPING1 (serpin family G member 1; plus strand). Cytogenetic location: 11q12.1.
Variant type: single nucleotide variant.
Coding change: c.1499C>T on transcript NM_000062.3 (MANE Select); coding-DNA position 1499, C replaced by T.
Protein change: p.Ala500Val; replaces alanine 500 with valine.
Molecular consequence: missense variant.
Genome position (GRCh38, 1-based): chr11:57,614,577, C>T. VCF-style: chr11-57614577-C-T. GRCh37 (hg19) VCF-style: chr11-57382050-C-T.
Other names: c.1499C>T, p.Ala500Val (NM_001032295.2); short protein forms A500V.
Identifiers: ClinVar variation 1503136 (VCV001503136.6), dbSNP rs745670182, ClinGen allele CA6008298.